The following is an entry in ClinVar:

ClinVar aggregate classification (germline): Uncertain significance (1 of 4 stars; one submission).

Conditions:
Ataxia-telangiectasia syndrome (AT). Also called: ATAXIA-TELANGIECTASIA, COMPLEMENTATION GROUP A; ATAXIA-TELANGIECTASIA, FRESNO VARIANT; Ataxia-telangiectasia; Ataxia-telangiectasia, complementation group E; LOUIS-BAR SYNDROME; Cerebello-oculocutaneous telangiectasia. Identifiers: Orphanet 100, MedGen C0004135, MONDO:0008840, OMIM 208900.

Submission:

Labcorp Genetics (formerly Invitae), Labcorp
Classification: Uncertain significance for Ataxia-telangiectasia syndrome. Last evaluated: 2023-05-02. Review status: criteria provided, single submitter. Criteria: Invitae Variant Classification Sherloc (09022015). Collection method: clinical testing. Allele origin: germline.
Comment: In summary, the available evidence is currently insufficient to determine the role of this variant in disease. Therefore, it has been classified as a Variant of Uncertain Significance. An algorithm developed to predict the effect of missense changes on protein structure and function (PolyPhen-2) suggests that this variant is likely to be disruptive. This variant has not been reported in the literature in individuals affected with ATM-related conditions. This variant is not present in population databases (gnomAD no frequency). This sequence change replaces proline, which is neutral and non-polar, with threonine, which is neutral and polar, at codon 2518 of the ATM protein (p.Pro2518Thr).

NM_000051.4(ATM):c.7552C>A (p.Pro2518Thr)

Genes: ATM (ATM serine/threonine kinase; plus strand), C11orf65 (chromosome 11 open reading frame 65; minus strand). Cytogenetic location: 11q22.3.
Variant type: single nucleotide variant.
Coding change: c.7552C>A on transcript NM_000051.4 (MANE Select); coding-DNA position 7552, C replaced by A.
Protein change: p.Pro2518Thr; replaces proline 2518 with threonine.
Molecular consequence: missense variant. On other transcripts: non-coding transcript variant (1), intron variant (2).
Genome position (GRCh38, 1-based): chr11:108,331,480, C>A. VCF-style: chr11-108331480-C-A. GRCh37 (hg19) VCF-style: chr11-108202207-C-A.
Other names: c.7552C>A, p.Pro2518Thr (NM_001351834.2); c.641-22409G>T (NM_001330368.2); c.*38+3740G>T (NM_001351110.2); short protein forms P2518T.
Identifiers: ClinVar variation 2861420 (VCV002861420.3), dbSNP rs374876799, ClinGen allele CA382560711.